The following is an entry in ClinVar:

ClinVar aggregate classification (germline): Pathogenic/Likely pathogenic. Review status: criteria provided, multiple submitters, no conflicts (2 of 4 stars). 3 submissions from 3 submitters: Pathogenic (1); Likely pathogenic (2). Last evaluated 2025-06-30.

Conditions:
X-linked Alport syndrome (ATS1). Also called: COL4A5-Related Nephropathy; NEPHROPATHY AND DEAFNESS, X-LINKED. Identifiers: Orphanet 63, Orphanet 88917, MedGen C4746986, MONDO:0010520, OMIM 301050.

Submissions (3):

GeneDx
Classification: Likely pathogenic. Last evaluated: 2025-06-30. Review status: criteria provided, single submitter. Criteria: GeneDx Variant Classification Process June 2021. Collection method: clinical testing. Allele origin: germline. Affected: yes.
Comment: Not observed at significant frequency in large population cohorts (gnomAD); In silico analysis supports that this missense variant has a deleterious effect on protein structure/function; This variant is associated with the following publications: (PMID: 11223851)

Fulgent Genetics
Classification: Pathogenic for X-linked Alport syndrome. Last evaluated: 2024-02-14. Review status: criteria provided, single submitter. Criteria: ACMG Guidelines, 2015. Collection method: clinical testing. Allele origin: germline.

Labcorp Genetics (formerly Invitae), Labcorp
Classification: Likely pathogenic. Last evaluated: 2023-10-04. Review status: criteria provided, single submitter. Criteria: Invitae Variant Classification Sherloc (09022015). Collection method: clinical testing. Allele origin: germline.
Comment: This sequence change replaces glycine, which is neutral and non-polar, with aspartic acid, which is acidic and polar, at codon 629 of the COL4A5 protein (p.Gly629Asp). This variant is not present in population databases (gnomAD no frequency). This missense change has been observed in individual(s) with clinical features of Alport syndrome (PMID: 11223851; Invitae). Advanced modeling of protein sequence and biophysical properties (such as structural, functional, and spatial information, amino acid conservation, physicochemical variation, residue mobility, and thermodynamic stability) performed at Invitae indicates that this missense variant is expected to disrupt COL4A5 protein function. This variant disrupts the triple helix domain of COL4A5. Glycine residues within the Gly-Xaa-Yaa repeats of the triple helix domain are required for the structure and stability of fibrillar collagens (PMID: 7695699, 8218237, 19344236). In COL4A5, missense variants at these glycine residues are significantly enriched in individuals with disease (PMID: 23720012, 27627812) compared to the general population (ExAC). In summary, the currently available evidence indicates that the variant is pathogenic, but additional data are needed to prove that conclusively. Therefore, this variant has been classified as Likely Pathogenic.

Literature cited by the submitters: PubMed 11223851 (cited by Labcorp Genetics (formerly Invitae), Labcorp); PubMed 7695699 (cited by Labcorp Genetics (formerly Invitae), Labcorp); PubMed 8218237 (cited by Labcorp Genetics (formerly Invitae), Labcorp); PubMed 19344236 (cited by Labcorp Genetics (formerly Invitae), Labcorp); PubMed 23720012 (cited by Labcorp Genetics (formerly Invitae), Labcorp); PubMed 27627812 (cited by Labcorp Genetics (formerly Invitae), Labcorp).

NM_033380.3(COL4A5):c.1886G>A (p.Gly629Asp)

Gene: COL4A5 (collagen type IV alpha 5 chain; plus strand). Cytogenetic location: Xq22.3.
Variant type: single nucleotide variant.
Coding change: c.1886G>A on transcript NM_033380.3 (MANE Select); coding-DNA position 1886, G replaced by A.
Protein change: p.Gly629Asp; replaces glycine 629 with aspartic acid.
Molecular consequence: missense variant.
Genome position (GRCh38, 1-based): chrX:108,598,808, G>A. VCF-style: chrX-108598808-G-A. GRCh37 (hg19) VCF-style: chrX-107842038-G-A.
Other names: c.1886G>A (NM_033380.1); c.1886G>A, p.Gly629Asp (NM_000495.5); short protein forms G629D.
Identifiers: ClinVar variation 2737338 (VCV002737338.5), dbSNP rs104886144, ClinGen allele CA258565.